The following is an entry in ClinVar:

ClinVar aggregate classification (germline): Uncertain significance. Review status: criteria provided, multiple submitters, no conflicts (2 of 4 stars). 2 submissions from 2 submitters: Uncertain significance (2). Last evaluated 2025-12-06.

Conditions:
Myopathy, proximal, and ophthalmoplegia (CMYO6). Also called: INCLUSION BODY MYOPATHY 3, AUTOSOMAL DOMINANT; MYOPATHY WITH CONGENITAL JOINT CONTRACTURES, OPHTHALMOPLEGIA, AND RIMMED VACUOLES; CONGENITAL MYOPATHY 6 WITH OPHTHALMOPLEGIA. Identifiers: Orphanet 363677, Orphanet 79091, MedGen C1854106, MONDO:0011577, OMIM 605637.
Inborn genetic diseases. Identifiers: MedGen C0950123, MeSH D030342.

Allele frequency attached by ClinVar (database versions not stated): ExAC 0.00001; gnomAD 0.00001; TOPMed 0.00001; gnomAD exomes 0.00002; ESP Exome Variant Server 0.00008.
gnomAD v4.1: 9 of 1,613,840 alleles (0.00056%); highest among the groups gnomAD compares: African/African-American, 0.004%; no homozygotes.

Submissions (2):

Labcorp Genetics (formerly Invitae), Labcorp
Classification: Uncertain significance for Myopathy, proximal, and ophthalmoplegia. Last evaluated: 2025-12-06. Review status: criteria provided, single submitter. Criteria: Invitae Variant Classification Sherloc (09022015). Collection method: clinical testing. Allele origin: germline.
Comment: This sequence change replaces arginine, which is basic and polar, with cysteine, which is neutral and slightly polar, at codon 1388 of the MYH2 protein (p.Arg1388Cys). This variant is present in population databases (rs140775405, gnomAD 0.01%). This variant has not been reported in the literature in individuals affected with MYH2-related conditions. ClinVar contains an entry for this variant (Variation ID: 661767). Invitae Evidence Modeling of protein sequence and biophysical properties (such as structural, functional, and spatial information, amino acid conservation, physicochemical variation, residue mobility, and thermodynamic stability) indicates that this missense variant is not expected to disrupt MYH2 protein function with a negative predictive value of 80%. In summary, the available evidence is currently insufficient to determine the role of this variant in disease. Therefore, it has been classified as a Variant of Uncertain Significance.

Ambry Genetics
Classification: Uncertain significance for Inborn genetic diseases. Last evaluated: 2023-05-31. Review status: criteria provided, single submitter. Criteria: Ambry Variant Classification Scheme 2023. Collection method: clinical testing. Allele origin: germline.

NM_017534.6(MYH2):c.4162C>T (p.Arg1388Cys)

Genes: MYHAS (myosin heavy chain gene cluster antisense RNA; plus strand), MYH2 (myosin heavy chain 2; minus strand). Cytogenetic location: 17p13.1.
Variant type: single nucleotide variant.
Coding change: c.4162C>T on transcript NM_017534.6 (MANE Select); coding-DNA position 4162, C replaced by T.
Protein change: p.Arg1388Cys; replaces arginine 1388 with cysteine.
Molecular consequence: missense variant.
Genome position (GRCh38, 1-based): chr17:10,526,624, G>A on the plus strand (C>T on the coding strand, the complement: MYH2 is on the minus strand). VCF-style: chr17-10526624-G-A. GRCh37 (hg19) VCF-style: chr17-10429941-G-A.
Other names: c.4162C>T, p.Arg1388Cys (NM_001100112.2); short protein forms R1388C.
Identifiers: ClinVar variation 661767 (VCV000661767.8), dbSNP rs140775405, ClinGen allele CA8390716.